The following is an entry in ClinVar:

NM_006440.5(TXNRD2):c.722G>A (p.Gly241Glu)

Gene: TXNRD2 (thioredoxin reductase 2; minus strand). Cytogenetic location: 22q11.21.
Variant type: single nucleotide variant.
Coding change: c.722G>A on transcript NM_006440.5 (MANE Select); coding-DNA position 722, G replaced by A.
Protein change: p.Gly241Glu; replaces glycine 241 with glutamic acid.
Molecular consequence: missense variant. On other transcripts: non-coding transcript variant (1).
Genome position (GRCh38, 1-based): chr22:19,898,091, C>T on the plus strand (G>A on the coding strand, the complement: TXNRD2 is on the minus strand). VCF-style: chr22-19898091-C-T. GRCh37 (hg19) VCF-style: chr22-19885614-C-T.
Other names: c.722G>A, p.Gly241Glu (NM_001282512.3); c.719G>A, p.Gly240Glu (NM_001352300.2); c.632G>A, p.Gly211Glu (NM_001352301.2); c.434G>A, p.Gly145Glu (NM_001352302.2); c.626G>A, p.Gly209Glu (NM_001352303.2); short protein forms G211E, G240E, G241E, G145E, G209E.
Identifiers: ClinVar variation 2166254 (VCV002166254.5), dbSNP rs2517322899, ClinGen allele CA410687516.

ClinVar aggregate classification (germline): Uncertain significance. Review status: criteria provided, multiple submitters, no conflicts (2 of 4 stars). 2 submissions from 2 submitters: Uncertain significance (2). Last evaluated 2025-08-20.

Conditions:
Cardiovascular phenotype. Identifiers: MedGen CN230736.
Primary dilated cardiomyopathy (DCM). Also called: Dilated Cardiomyopathy. Identifiers: Orphanet 217604, MedGen C0007193, MeSH D002311, MONDO:0005021, HP:0001644. Inheritance: Various modes of inheritance.

Submissions (2):

Ambry Genetics
Classification: Uncertain significance for Cardiovascular phenotype. Last evaluated: 2025-08-20. Review status: criteria provided, single submitter. Criteria: Ambry Variant Classification Scheme 2023. Collection method: clinical testing. Allele origin: germline.
Comment: The p.G241E variant (also known as c.722G>A), located in coding exon 10 of the TXNRD2 gene, results from a G to A substitution at nucleotide position 722. The glycine at codon 241 is replaced by glutamic acid, an amino acid with similar properties. This amino acid position is conserved. In addition, this alteration is predicted to be deleterious by in silico analysis. Based on the available evidence, the clinical significance of this variant remains unclear.

Labcorp Genetics (formerly Invitae), Labcorp
Classification: Uncertain significance for Primary dilated cardiomyopathy. Last evaluated: 2023-02-21. Review status: criteria provided, single submitter. Criteria: Invitae Variant Classification Sherloc (09022015). Collection method: clinical testing. Allele origin: germline.
Comment: This variant has not been reported in the literature in individuals affected with TXNRD2-related conditions. This variant is not present in population databases (gnomAD no frequency). This sequence change replaces glycine, which is neutral and non-polar, with glutamic acid, which is acidic and polar, at codon 241 of the TXNRD2 protein (p.Gly241Glu). Advanced modeling of protein sequence and biophysical properties (such as structural, functional, and spatial information, amino acid conservation, physicochemical variation, residue mobility, and thermodynamic stability) performed at Invitae indicates that this missense variant is expected to disrupt TXNRD2 protein function. In summary, the available evidence is currently insufficient to determine the role of this variant in disease. Therefore, it has been classified as a Variant of Uncertain Significance.